The following is an entry in ClinVar:

ClinVar aggregate classification (germline): Pathogenic (1 of 4 stars; one submission).

gnomAD v4.1: 2 of 1,528,892 alleles (0.00013%); highest among the groups gnomAD compares: Non-Finnish European, 0.00017%; no homozygotes.

Submission:

Labcorp Genetics (formerly Invitae), Labcorp
Classification: Pathogenic. Last evaluated: 2025-04-26. Review status: criteria provided, single submitter. Criteria: Invitae Variant Classification Sherloc (09022015). Collection method: clinical testing. Allele origin: germline.
Comment: This sequence change creates a premature translational stop signal (p.Gly2489*) in the SPEG gene. It is expected to result in an absent or disrupted protein product. Loss-of-function variants in SPEG are known to be pathogenic (PMID: 19118250, 25087613). This variant is not present in population databases (gnomAD no frequency). This variant has not been reported in the literature in individuals affected with SPEG-related conditions. For these reasons, this variant has been classified as Pathogenic.

Literature cited by the submitters: PubMed 19118250; PubMed 25087613.

NM_005876.5(SPEG):c.7465G>T (p.Gly2489Ter)

Genes: ASIC4-AS1 (ASIC4 antisense RNA 1; minus strand), SPEG (striated muscle enriched protein kinase; plus strand). Cytogenetic location: 2q35.
Variant type: single nucleotide variant.
Coding change: c.7465G>T on transcript NM_005876.5 (MANE Select); coding-DNA position 7465, G replaced by T.
Protein change: p.Gly2489Ter; replaces glycine 2489 with a stop codon.
Molecular consequence: nonsense.
Genome position (GRCh38, 1-based): chr2:219,484,928, G>T. VCF-style: chr2-219484928-G-T. GRCh37 (hg19) VCF-style: chr2-220349650-G-T.
Other names: short protein forms G2489*.
Identifiers: ClinVar variation 4717992 (VCV004717992.1).